The following is an entry in ClinVar:

NM_004387.4(NKX2-5):c.335-296G>T

Gene: NKX2-5 (NK2 homeobox 5; minus strand). Cytogenetic location: 5q35.1.
Variant type: single nucleotide variant.
Coding change: c.335-296G>T on transcript NM_004387.4 (MANE Select); 296 bases into the intron before coding-DNA position 335, G replaced by T.
Molecular consequence: intron variant.
Genome position (GRCh38, 1-based): chr5:173,233,505, C>A on the plus strand (G>T on the coding strand, the complement: NKX2-5 is on the minus strand). VCF-style: chr5-173233505-C-A. GRCh37 (hg19) VCF-style: chr5-172660508-C-A.
Other names: NC_000005.9:g.172660508C>A; c.335-41G>T (NM_001166176.2); c.335-4G>T (NM_001166175.2).
Identifiers: ClinVar variation 3358413 (VCV003358413.2).
Genomic context (GRCh38, chr5:173,233,505, plus strand): 5'-CCCTCGGGGCAGTTCACACCCTGGTGAGGGAGACAGACGGTGACTTAAAATTTCAGGCTG[C>A]AAAAAAAAAAAAAATAAATAAAAAAATAAAAAAATAAAAATAAAACCAGGTGATGCTCTG-3'

ClinVar aggregate classification (germline): Likely benign (0 of 4 stars; one submission).

Conditions:
NKX2-5-related disorder. Also called: NKX2-5-related condition.

Submissions (3):

PreventionGenetics, part of Exact Sciences
Classification: Likely benign for NKX2-5-related condition. Last evaluated: 2024-06-17. Review status: no assertion criteria provided. Collection method: clinical testing. Allele origin: germline.
Comment: This variant is classified as likely benign based on ACMG/AMP sequence variant interpretation guidelines (Richards et al. 2015 PMID: 25741868, with internal and published modifications).

Dr. Peter K. Rogan Lab, Western University
No classification provided (evidence only). Condition: Sarcoma. Review status: no classification provided. Collection method: in vitro. Allele origin: not applicable. Functional consequence: retained intron. Not counted in ClinVar's aggregate classification.

Dr. Peter K. Rogan Lab, Western University
No classification provided (evidence only). Condition: Malignant tumor of esophagus. Review status: no classification provided. Collection method: in vitro. Allele origin: not applicable. Functional consequence: retained intron. Not counted in ClinVar's aggregate classification.